The following is an entry in ClinVar:

ClinVar aggregate classification (germline): Pathogenic (1 of 4 stars; one submission).

Conditions:
Multiple congenital exostosis (EXT). Also called: MULTIPLE CARTILAGINOUS EXOSTOSES; Multiple exostoses; Hereditary multiple osteochondromas; Hereditary multiple exostoses; Hereditary multiple exostosis; Multiple osteochondromas. Identifiers: Orphanet 321, MedGen C0015306, MONDO:0005508, HP:0002762.

Submission:

Labcorp Genetics (formerly Invitae), Labcorp
Classification: Pathogenic for Multiple congenital exostosis. Last evaluated: 2024-07-02. Review status: criteria provided, single submitter. Criteria: Invitae Variant Classification Sherloc (09022015). Collection method: clinical testing. Allele origin: germline.
Comment: This sequence change creates a premature translational stop signal (p.Arg270Glufs*19) in the EXT1 gene. It is expected to result in an absent or disrupted protein product. Loss-of-function variants in EXT1 are known to be pathogenic (PMID: 10679937, 11391482, 19810120). This variant is not present in population databases (gnomAD no frequency). This variant has not been reported in the literature in individuals affected with EXT1-related conditions. For these reasons, this variant has been classified as Pathogenic.

Literature cited by the submitters: PubMed 10679937; PubMed 11391482; PubMed 19810120.

NM_000127.3(EXT1):c.806dup (p.Arg270fs)

Gene: EXT1 (exostosin glycosyltransferase 1; minus strand). Cytogenetic location: 8q24.11.
Variant type: Duplication.
Coding change: c.806dup on transcript NM_000127.3 (MANE Select); coding-DNA position 806, one base duplicated (A; older notation c.806dupA).
Protein change: p.Arg270fs; shifts the reading frame from arginine 270.
Molecular consequence: frameshift variant.
Genome position (GRCh38, 1-based): chr8:118,110,241, T duplicated on the plus strand (A on the coding strand, the reverse complement: EXT1 is on the minus strand); the first of 2 consecutive T bases (chr8:118,110,241-118,110,242); duplicating either gives the same sequence. VCF-style (leftmost placement, unchanged base first): chr8-118110240-C-CT. GRCh37 (hg19) VCF-style: chr8-119122479-C-CT.
Other names: short protein forms R270fs.
Identifiers: ClinVar variation 3718731 (VCV003718731.2).